The following is an entry in ClinVar:

NM_001127671.2(LIFR):c.1886-9T>A

Gene: LIFR (LIF receptor subunit alpha; minus strand). Cytogenetic location: 5p13.1.
Variant type: single nucleotide variant.
Coding change: c.1886-9T>A on transcript NM_001127671.2 (MANE Select); 9 bases into the intron before coding-DNA position 1886, T replaced by A.
Molecular consequence: intron variant.
Genome position (GRCh38, 1-based): chr5:38,493,794, A>T on the plus strand (T>A on the coding strand, the complement: LIFR is on the minus strand). VCF-style: chr5-38493794-A-T. GRCh37 (hg19) VCF-style: chr5-38493896-A-T.
Other names: c.1886-9T>A (NM_002310.6, NM_001364298.2, NM_001364297.2).
Identifiers: ClinVar variation 978556 (VCV000978556.2), dbSNP rs1744728536, ClinGen allele CA1139658821.

ClinVar aggregate classification (germline): Uncertain significance (1 of 4 stars; one submission).

Conditions:
Global developmental delay (DD). Also called: Cognitive delay. Identifiers: MedGen C0557874, HP:0001263. Disease mechanism: loss of function.
Absent speech. Also called: Absent speech development. Identifiers: MedGen C1854882, HP:0001344.
Developmental regression. Also called: C1836830. Identifiers: MedGen C1836830, HP:0002376.
Abnormal cerebral white matter morphology. Also called: Abnormality of the cerebral white matter. Identifiers: MedGen C0948163, HP:0002500.
Hypotonia. Also called: Muscular hypotonia; poor muscle tone. Identifiers: MedGen C0026827, HP:0001252.
Epileptic encephalopathy. Identifiers: MedGen C0543888, HP:0200134.

Submission:

Centre for Mendelian Genomics, University Medical Centre Ljubljana
Classification: Uncertain significance for Hypotonia; Global developmental delay; Absent speech; Developmental regression; Abnormal cerebral white matter morphology; Epileptic encephalopathy. Last evaluated: 2018-11-28. Review status: criteria provided, single submitter. Criteria: ACMG guidelines, Richards 2015. Collection method: clinical testing. Allele origin: germline. Affected: yes.
Comment: This variant was classified as: Uncertain significance. The available evidence on this varinat's pathogenicity is insufficient or conflicting. The following ACMG criteria were applied in classifying this variant: PM2,PP3. This variant was detected in heterozygous state.